The following is an entry in ClinVar:

NM_001282531.3(ADNP):c.3020G>A (p.Arg1007Lys)

Gene: ADNP (activity dependent neuroprotector homeobox; minus strand). Cytogenetic location: 20q13.13.
Variant type: single nucleotide variant.
Coding change: c.3020G>A on transcript NM_001282531.3 (MANE Select); coding-DNA position 3020, G replaced by A.
Protein change: p.Arg1007Lys; replaces arginine 1007 with lysine.
Molecular consequence: missense variant.
Genome position (GRCh38, 1-based): chr20:50,891,694, C>T on the plus strand (G>A on the coding strand, the complement: ADNP is on the minus strand). VCF-style: chr20-50891694-C-T. GRCh37 (hg19) VCF-style: chr20-49508231-C-T.
Other names: c.3020G>A, p.Arg1007Lys (NM_001282532.2, NM_001347511.2, NM_015339.5 and 1 more transcripts); short protein forms R1007K.
Identifiers: ClinVar variation 2634022 (VCV002634022.4), dbSNP rs2515573849, ClinGen allele CA408967277.

ClinVar aggregate classification (germline): Conflicting classifications of pathogenicity. Review status: criteria provided, conflicting classifications (1 of 4 stars). 2 submissions from 2 submitters: Uncertain significance (1); Likely benign (1). Last evaluated 2024-05-29.

Conditions:
ADNP-related disorder. Also called: ADNP-related condition.

Allele frequency attached by ClinVar (database versions not stated): gnomAD exomes below 0.00001.
gnomAD v4.1: 2 of 1,614,220 alleles (0.00012%); highest among the groups gnomAD compares: Non-Finnish European, 0.00017%; no homozygotes.

Submissions (2):

Labcorp Genetics (formerly Invitae), Labcorp
Classification: Likely benign. Last evaluated: 2024-05-29. Review status: criteria provided, single submitter. Criteria: Invitae Variant Classification Sherloc (09022015). Collection method: clinical testing. Allele origin: germline.

PreventionGenetics, part of Exact Sciences
Classification: Uncertain significance for ADNP-related condition. Last evaluated: 2023-09-25. Review status: criteria provided, single submitter. Criteria: ACMG Guidelines, 2015. Collection method: clinical testing. Allele origin: germline.
Comment: The ADNP c.3020G>A variant is predicted to result in the amino acid substitution p.Arg1007Lys. To our knowledge, this variant has not been reported in the literature or in a large population database, indicating this variant is rare. At this time, the clinical significance of this variant is uncertain due to the absence of conclusive functional and genetic evidence.